The following is an entry in ClinVar:

NM_199420.4(POLQ):c.2719A>T (p.Ser907Cys)

Gene: POLQ (DNA polymerase theta; minus strand). Cytogenetic location: 3q13.33.
Variant type: single nucleotide variant.
Coding change: c.2719A>T on transcript NM_199420.4 (MANE Select); coding-DNA position 2719, A replaced by T.
Protein change: p.Ser907Cys; replaces serine 907 with cysteine.
Molecular consequence: missense variant.
Genome position (GRCh38, 1-based): chr3:121,490,212, T>A on the plus strand (A>T on the coding strand, the complement: POLQ is on the minus strand). VCF-style: chr3-121490212-T-A. GRCh37 (hg19) VCF-style: chr3-121209059-T-A.
Other names: short protein forms S907C.
Identifiers: ClinVar variation 3422530 (VCV003422530.1).

ClinVar aggregate classification (germline): Uncertain significance (1 of 4 stars; one submission).

Submission:

Ambry Genetics
Classification: Uncertain significance. Last evaluated: 2024-09-03. Review status: criteria provided, single submitter. Criteria: Ambry Variant Classification Scheme 2023. Collection method: clinical testing. Allele origin: germline.
Comment: The p.S907C variant (also known as c.2719A>T), located in coding exon 16 of the POLQ gene, results from an A to T substitution at nucleotide position 2719. The serine at codon 907 is replaced by cysteine, an amino acid with dissimilar properties. This amino acid position is conserved. In addition, this alteration is predicted to be tolerated by in silico analysis. Based on the available evidence, the clinical significance of this variant remains unclear.